The following is an entry in ClinVar:

NM_000179.3(MSH6):c.3316GAT[1] (p.Asp1107del)

Gene: MSH6 (mutS homolog 6; plus strand). Cytogenetic location: 2p16.3.
Variant type: Microsatellite.
Coding change: c.3316GAT[1] on transcript NM_000179.3 (MANE Select); one copy of the 3-base unit GAT starting at c.3316; the reference has two copies in a row; one copy, 3 bases deleted; also written c.3319_3321del.
Protein change: p.Asp1107del; deletes aspartic acid 1107.
Molecular consequence: inframe deletion.
Genome position (GRCh38, 1-based): chr2:47,803,566-47,803,568, GAT deleted; deleting any 3 consecutive bases within chr2:47,803,563-47,803,568 gives the same sequence; the position shown is the placement nearest the transcript's 3' end. VCF-style (leftmost placement, unchanged base first): chr2-47803562-AGAT-A. GRCh37 (hg19) VCF-style: chr2-48030701-AGAT-A.
Other names: c.2926GAT[1], p.Asp977del (NM_001281492.2); c.2410GAT[1], p.Asp805del (NM_001281493.2, NM_001281494.2); c.3319_3321delGAT (NM_000179.2); c.3319_3321del (NM_000179.3); short protein forms D1107del, D805del, D977del.
Identifiers: ClinVar variation 421891 (VCV000421891.26), dbSNP rs1064795429, ClinGen allele CA16617698.

ClinVar aggregate classification (germline): Conflicting classifications of pathogenicity. Review status: criteria provided, conflicting classifications (1 of 4 stars). 7 submissions from 7 submitters: Uncertain significance (5); Likely benign (2). Last evaluated 2025-10-12.

Conditions:
Mismatch repair cancer syndrome 3. Identifiers: MedGen C5436807, MONDO:0030841, OMIM 619097.
Hereditary nonpolyposis colorectal neoplasms. Identifiers: MedGen C0009405, MeSH D003123.
Hereditary cancer-predisposing syndrome. Also called: Hereditary neoplastic syndrome; Neoplastic Syndromes, Hereditary; Tumor predisposition; Hereditary Cancer Syndrome. Identifiers: Orphanet 140162, MedGen C0027672, MeSH D009386, MONDO:0015356.
Lynch syndrome. Identifiers: Orphanet 144, MedGen C4552100, MONDO:0005835. Disease mechanism: loss of function.
Lynch syndrome 5 (LYNCH5). Also called: Hereditary non-polyposis colorectal cancer, type 5; Colorectal cancer, hereditary nonpolyposis, type 5. Identifiers: Orphanet 144, MedGen C1833477, MONDO:0013710, OMIM 614350. Disease mechanism: loss of function.

Submissions (7):

Labcorp Genetics (formerly Invitae), Labcorp
Classification: Likely benign for Hereditary nonpolyposis colorectal neoplasms. Last evaluated: 2025-10-12. Review status: criteria provided, single submitter. Criteria: Invitae Variant Classification Sherloc (09022015). Collection method: clinical testing. Allele origin: germline.

Myriad Genetics, Inc.
Classification: Likely benign for Lynch syndrome 5. Last evaluated: 2025-01-06. Review status: criteria provided, single submitter. Criteria: Myriad Autosomal Dominant, Autosomal Recessive and X-Linked Classification Criteria (2023). Collection method: clinical testing. Allele origin: unknown.
Comment: This variant is considered likely benign. This variant has been observed in trans with a known pathogenic variant in one or more individuals lacking clinical features consistent with gene-specific recessive disease.

All of Us Research Program, National Institutes of Health
Classification: Uncertain significance for Lynch syndrome. Last evaluated: 2024-07-20. Review status: criteria provided, single submitter. Criteria: ACMG Guidelines, 2015. Collection method: clinical testing. Allele origin: germline. Inheritance: Autosomal dominant inheritance. Observed: 5 variant alleles, 5 heterozygotes.
Comment: This variant causes an in-frame deletion of one amino acid located in the ATPase domain in exon 5 of the MSH6 protein. To our knowledge, functional studies have not been reported for this variant. This variant has not been reported in individuals affected with MSH6-related disorders in the literature. This variant has been identified in 1/251414 chromosomes in the general population by the Genome Aggregation Database (gnomAD). The available evidence is insufficient to determine the role of this variant in disease conclusively. Therefore, this variant is classified as a Variant of Uncertain Significance.

This study involves interpretation of variants in research participants for the purpose of population health screening. Participant phenotype was not available at the time of variant classification. Additional details can be found in publication PMID: 35346344, PMCID: PMC8962531

Color Diagnostics, LLC DBA Color Health
Classification: Uncertain significance for Hereditary cancer-predisposing syndrome. Last evaluated: 2024-07-11. Review status: criteria provided, single submitter. Criteria: ACMG Guidelines, 2015. Collection method: clinical testing. Allele origin: germline.
Comment: This variant causes an in-frame deletion of one amino acid located in the ATPase domain in exon 5 of the MSH6 protein. To our knowledge, functional studies have not been reported for this variant. This variant has not been reported in individuals affected with MSH6-related disorders in the literature. This variant has been identified in 1/251414 chromosomes in the general population by the Genome Aggregation Database (gnomAD). The available evidence is insufficient to determine the role of this variant in disease conclusively. Therefore, this variant is classified as a Variant of Uncertain Significance.

Ambry Genetics
Classification: Uncertain significance for Hereditary cancer-predisposing syndrome. Last evaluated: 2024-05-02. Review status: criteria provided, single submitter. Criteria: Ambry Variant Classification Scheme 2023. Collection method: clinical testing. Allele origin: germline.
Comment: The c.3319_3321delGAT variant (also known as p.D1107del) is located in coding exon 5 of the MSH6 gene. This variant results from an in-frame GAT deletion at nucleotide positions 3319 to 3321. This results in the in-frame deletion of an aspartic acid at codon 1107. This amino acid position is well conserved in available vertebrate species. In addition, this alteration is predicted to be deleterious by in silico analysis (Choi Y et al. PLoS ONE. 2012; 7(10):e46688). Based on the available evidence, the clinical significance of this variant remains unclear.

Department of Pathology and Laboratory Medicine, Sinai Health System
Classification: Uncertain significance for Mismatch repair cancer syndrome 3. Last evaluated: 2022-05-30. Review status: criteria provided, single submitter. Criteria: ACMG Guidelines, 2015. Collection method: clinical testing. Allele origin: germline. Affected: yes.

GeneDx
Classification: Uncertain significance. Last evaluated: 2021-03-10. Review status: criteria provided, single submitter. Criteria: GeneDx Variant Classification Process June 2021. Collection method: clinical testing. Allele origin: germline. Affected: yes.
Comment: In-frame deletion of 1 amino acid in a non-repeat region; Not observed at a significant frequency in large population cohorts (Lek 2016); Has not been previously published as pathogenic or benign to our knowledge; In silico analysis supports a deleterious effect on protein structure/function